The following is an entry in ClinVar:

ClinVar aggregate classification (germline): Likely pathogenic (1 of 4 stars; one submission).

Conditions:
Inborn genetic diseases. Identifiers: MedGen C0950123, MeSH D030342.

Submission:

Ambry Genetics
Classification: Likely pathogenic for Inborn genetic diseases. Last evaluated: 2021-08-20. Review status: criteria provided, single submitter. Criteria: Ambry Variant Classification Scheme 2023. Collection method: clinical testing. Allele origin: germline.
Comment: The c.1092+1G>A intronic variant results from a G to A substitution one nucleotide after exon 13 (coding exon 11) of the HNRNPK gene. Alterations that disrupt the canonical splice site are expected to result in aberrant splicing. The resulting transcript is predicted to be in-frame and is not expected to trigger nonsense-mediated mRNA decay; however, direct evidence is unavailable. The exact functional effect of the altered amino acid sequence is unknown; however, 6.03% (28 of 464 amino acids) of the protein is affected. This variant was not reported in population-based cohorts in the Genome Aggregation Database (gnomAD). This nucleotide position is highly conserved in available vertebrate species. In silico splice site analysis predicts that this alteration will weaken the native splice donor site. Based on the available evidence, this alteration is classified as likely pathogenic.

NM_031263.4(HNRNPK):c.1092+1G>A

Gene: HNRNPK (heterogeneous nuclear ribonucleoprotein K; minus strand). Cytogenetic location: 9q21.32.
Variant type: single nucleotide variant.
Coding change: c.1092+1G>A on transcript NM_031263.4 (MANE Select); the canonical splice donor site of the intron after coding-DNA position 1092, G replaced by A.
Molecular consequence: splice donor variant.
Genome position (GRCh38, 1-based): chr9:83,971,272, C>T on the plus strand (G>A on the coding strand, the complement: HNRNPK is on the minus strand). VCF-style: chr9-83971272-C-T. GRCh37 (hg19) VCF-style: chr9-86586187-C-T.
Other names: c.1092+1G>A (NM_031262.4, NM_002140.5, NM_001318188.2); c.1020+1G>A (NM_001318186.2, NM_001318187.2).
Identifiers: ClinVar variation 2237961 (VCV002237961.2), dbSNP rs2491961949, ClinGen allele CA373921184.